The following is an entry in ClinVar:

NM_001065.4(TNFRSF1A):c.224C>T (p.Pro75Leu)

Gene: TNFRSF1A (TNF receptor superfamily member 1A; minus strand). Cytogenetic location: 12p13.31.
Variant type: single nucleotide variant.
Coding change: c.224C>T on transcript NM_001065.4 (MANE Select); coding-DNA position 224, C replaced by T.
Protein change: p.Pro75Leu; replaces proline 75 with leucine.
Molecular consequence: missense variant. On other transcripts: 5 prime UTR variant (2), non-coding transcript variant (1).
Genome position (GRCh38, 1-based): chr12:6,333,835, G>A on the plus strand (C>T on the coding strand, the complement: TNFRSF1A is on the minus strand). VCF-style: chr12-6333835-G-A. GRCh37 (hg19) VCF-style: chr12-6443001-G-A.
Other names: c.-101C>T (NM_001346091.2); c.-354C>T (NM_001346092.2); short protein forms P75L.
Identifiers: ClinVar variation 245671 (VCV000245671.34), dbSNP rs4149637, ClinGen allele CA6405585.
Genomic context (GRCh38, chr12:6,333,835, plus strand): 5'-TGGTTTTCTGAAGCGGTGAAGGAGCCGCTCTCACACTCCCTGCAGTCCGTATCCTGCCCC[G>A]GGCCTGGACAGTCATTGTACAAGTAGGTTCCTGTGAATGGGGCCGCAGAGTTAGGCTGCG-3'
Protein context (NP_001056.1, residues 65-85): GTYLYNDCPG[Pro75Leu]GQDTDCRECE

ClinVar aggregate classification (germline): Conflicting classifications of pathogenicity. Review status: criteria provided, conflicting classifications (1 of 4 stars). 9 submissions from 9 submitters: Uncertain significance (1); Benign (4); Likely benign (4). Last evaluated 2026-02-01.

Conditions:
TNF receptor-associated periodic fever syndrome (TRAPS) (FPF). Also called: TNF RECEPTOR-ASSOCIATED PERIODIC SYNDROME; TUMOR NECROSIS FACTOR RECEPTOR-ASSOCIATED PERIODIC SYNDROME; TNF receptor 1-associated periodic fever syndrome; FAMILIAL HIBERNIAN FEVER; Autosomal Dominant Familial Periodic Fever; TNF Receptor-Associated Periodic Fever Syndrome. Identifiers: Orphanet 32960, MedGen C1275126, MONDO:0007727, OMIM 142680.
Autoinflammatory syndrome. Identifiers: Orphanet 93665, MedGen C3890737, MONDO:0019751.

Allele frequency attached by ClinVar (database versions not stated): 1000 Genomes Project 30x 0.02983; TOPMed 0.02490; ESP Exome Variant Server 0.02537; 1000 Genomes Project 0.02815; gnomAD exomes 0.00574; ExAC 0.01266.
gnomAD v4.1: 7,475 of 1,599,400 alleles (0.47%); highest among the groups gnomAD compares: African/African-American, 8.2%; 272 homozygotes.

Submissions (9):

Labcorp Genetics (formerly Invitae), Labcorp
Classification: Likely benign for TNF receptor-associated periodic fever syndrome (TRAPS). Last evaluated: 2026-02-01. Review status: criteria provided, single submitter. Criteria: Invitae Variant Classification Sherloc (09022015). Collection method: clinical testing. Allele origin: germline.

Women's Health and Genetics/Laboratory Corporation of America, LabCorp
Classification: Likely benign. Last evaluated: 2026-01-22. Review status: criteria provided, single submitter. Criteria: LabCorp Variant Classification Summary - May 2015. Collection method: clinical testing. Allele origin: germline.

ARUP Laboratories, Molecular Genetics and Genomics, ARUP Laboratories
Classification: Benign. Last evaluated: 2025-06-02. Review status: criteria provided, single submitter. Criteria: ARUP Molecular Germline Variant Investigation Process 2024. Collection method: clinical testing. Allele origin: germline.

Genome Diagnostics Laboratory, The Hospital for Sick Children
Classification: Uncertain significance for Autoinflammatory syndrome. Last evaluated: 2022-04-19. Review status: criteria provided, single submitter. Criteria: ACMG Guidelines, 2015. Collection method: clinical testing. Allele origin: germline. Affected: yes.

Mayo Clinic Laboratories, Mayo Clinic
Classification: Benign. Last evaluated: 2020-09-17. Review status: criteria provided, single submitter. Criteria: ACMG Guidelines, 2015. Collection method: clinical testing. Allele origin: germline. Observed: 12 variant alleles.

GeneDx
Classification: Benign. Last evaluated: 2019-06-25. Review status: criteria provided, single submitter. Criteria: GeneDx Variant Classification Process June 2021. Collection method: clinical testing. Allele origin: germline. Affected: yes.
Comment: This variant is associated with the following publications: (PMID: 16569687, 24393624, 11443543, 27872575, 21420073, 20981092, 23894535, 24233262, 27884173)

Mendelics
Classification: Benign for TNF receptor-associated periodic fever syndrome (TRAPS). Last evaluated: 2019-05-28. Review status: criteria provided, single submitter. Criteria: Mendelics Assertion Criteria 2017. Collection method: clinical testing. Allele origin: unknown.

Illumina Laboratory Services, Illumina
Classification: Likely benign for TNF receptor-associated periodic fever syndrome (TRAPS). Last evaluated: 2017-04-28. Review status: criteria provided, single submitter. Criteria: ICSL Variant Classification Criteria 13 December 2019. Collection method: clinical testing. Allele origin: germline.
Comment: This variant was observed as part of a predisposition screen in an ostensibly healthy population. A literature search was performed for the gene, cDNA change, and amino acid change (where applicable). Publications were found based on this search. The evidence from the literature, in combination with allele frequency data from public databases where available, was sufficient to determine this variant is unlikely to cause disease. Therefore, this variant is classified as likely benign.

Breakthrough Genomics
Classification: Likely benign. Review status: criteria provided, single submitter. Criteria: ACMG Guidelines, 2015. Collection method: not provided. Allele origin: germline. Inheritance: Autosomal dominant inheritance. Affected: yes.

Literature cited by the submitters: PubMed 11443543 (cited by Illumina Laboratory Services, Illumina).